The following is an entry in ClinVar:

NM_030665.4(RAI1):c.1298A>G (p.Gln433Arg)

Gene: RAI1 (retinoic acid induced 1; plus strand). Cytogenetic location: 17p11.2.
Variant type: single nucleotide variant.
Coding change: c.1298A>G on transcript NM_030665.4 (MANE Select); coding-DNA position 1298, A replaced by G.
Protein change: p.Gln433Arg; replaces glutamine 433 with arginine.
Molecular consequence: missense variant.
Genome position (GRCh38, 1-based): chr17:17,794,246, A>G. VCF-style: chr17-17794246-A-G. GRCh37 (hg19) VCF-style: chr17-17697560-A-G.
Other names: short protein forms Q433R.
Identifiers: ClinVar variation 2840284 (VCV002840284.3), dbSNP rs2508574931, ClinGen allele CA398547421.

ClinVar aggregate classification (germline): Uncertain significance (1 of 4 stars; one submission).

Submission:

Labcorp Genetics (formerly Invitae), Labcorp
Classification: Uncertain significance. Last evaluated: 2023-11-24. Review status: criteria provided, single submitter. Criteria: Invitae Variant Classification Sherloc (09022015). Collection method: clinical testing. Allele origin: germline.
Comment: This sequence change replaces glutamine, which is neutral and polar, with arginine, which is basic and polar, at codon 433 of the RAI1 protein (p.Gln433Arg). This variant is not present in population databases (gnomAD no frequency). This variant has not been reported in the literature in individuals affected with RAI1-related conditions. Advanced modeling of protein sequence and biophysical properties (such as structural, functional, and spatial information, amino acid conservation, physicochemical variation, residue mobility, and thermodynamic stability) has been performed at Invitae for this missense variant, however the output from this modeling did not meet the statistical confidence thresholds required to predict the impact of this variant on RAI1 protein function. In summary, the available evidence is currently insufficient to determine the role of this variant in disease. Therefore, it has been classified as a Variant of Uncertain Significance.